The following is an entry in ClinVar:

ClinVar aggregate classification (germline): Uncertain significance. Review status: criteria provided, multiple submitters, no conflicts (2 of 4 stars). 2 submissions from 2 submitters: Uncertain significance (2). Last evaluated 2023-11-02.

Allele frequency attached by ClinVar (database versions not stated): TOPMed below 0.00001.

Submissions (2):

Ambry Genetics
Classification: Uncertain significance. Last evaluated: 2023-11-02. Review status: criteria provided, single submitter. Criteria: Ambry Variant Classification Scheme 2023. Collection method: clinical testing. Allele origin: germline.
Comment: The p.T536A variant (also known as c.1606A>G), located in coding exon 12 of the RECQL gene, results from an A to G substitution at nucleotide position 1606. The threonine at codon 536 is replaced by alanine, an amino acid with similar properties. This amino acid position is conserved. In addition, this alteration is predicted to be tolerated by in silico analysis. Since supporting evidence is limited at this time, the clinical significance of this alteration remains unclear.

Labcorp Genetics (formerly Invitae), Labcorp
Classification: Uncertain significance. Last evaluated: 2023-05-30. Review status: criteria provided, single submitter. Criteria: Invitae Variant Classification Sherloc (09022015). Collection method: clinical testing. Allele origin: germline.
Comment: In summary, the available evidence is currently insufficient to determine the role of this variant in disease. Therefore, it has been classified as a Variant of Uncertain Significance. Advanced modeling of protein sequence and biophysical properties (such as structural, functional, and spatial information, amino acid conservation, physicochemical variation, residue mobility, and thermodynamic stability) performed at Invitae indicates that this missense variant is not expected to disrupt RECQL protein function. This variant has not been reported in the literature in individuals affected with RECQL-related conditions. This variant is not present in population databases (gnomAD no frequency). This sequence change replaces threonine, which is neutral and polar, with alanine, which is neutral and non-polar, at codon 536 of the RECQL protein (p.Thr536Ala).

NM_002907.4(RECQL):c.1606A>G (p.Thr536Ala)

Gene: RECQL (RecQ like helicase; minus strand). Cytogenetic location: 12p12.1.
Variant type: single nucleotide variant.
Coding change: c.1606A>G on transcript NM_002907.4 (MANE Select); coding-DNA position 1606, A replaced by G.
Protein change: p.Thr536Ala; replaces threonine 536 with alanine.
Molecular consequence: missense variant.
Genome position (GRCh38, 1-based): chr12:21,471,489, T>C on the plus strand (A>G on the coding strand, the complement: RECQL is on the minus strand). VCF-style: chr12-21471489-T-C. GRCh37 (hg19) VCF-style: chr12-21624423-T-C.
Other names: c.1606A>G (NM_002907.3); c.1606A>G, p.Thr536Ala (NM_032941.3); short protein forms T536A.
Identifiers: ClinVar variation 2976801 (VCV002976801.4), dbSNP rs80254367, ClinGen allele CA384116057.
Genomic context (GRCh38, chr12:21,471,489, plus strand): 5'-TAAGATACTGCTGTATTAGAAAGTGTGCAATAATCTTCTCCAGATCTTCACGAGGAAGTG[T>C]GGGAGCCACAACACCTGCTACTCTCAGTTTTGCTGCACCCTTTCCCATCCAAGAATCAAT-3'
Protein context (NP_002898.2, residues 526-546): KLRVAGVVAP[Thr536Ala]LPREDLEKII